The following is an entry in ClinVar:

NM_145640.2(APOL3):c.104G>T (p.Gly35Val)

Gene: APOL3 (apolipoprotein L3; minus strand). Cytogenetic location: 22q12.3.
Variant type: single nucleotide variant.
Coding change: c.104G>T on transcript NM_145640.2; coding-DNA position 104, G replaced by T.
Protein change: p.Gly35Val; replaces glycine 35 with valine.
Molecular consequence: missense variant. On other transcripts: 5 prime UTR variant (2).
Genome position (GRCh38, 1-based): chr22:36,160,788, C>A on the plus strand (G>T on the coding strand, the complement: APOL3 is on the minus strand). VCF-style: chr22-36160788-C-A. GRCh37 (hg19) VCF-style: chr22-36556836-C-A.
Other names: c.-497G>T (NM_145641.3, NM_145642.3); short protein forms G35V.
Identifiers: ClinVar variation 747554 (VCV000747554.28), dbSNP rs148885226, ClinGen allele CA10207533.
Genomic context (GRCh38, chr22:36,160,788, plus strand): 5'-CCCACCTCCAGCCGTGCATCTGCATAATAACCAGACACGTTCTCCAGGCTCTGAGATATA[C>A]CCTGGAACCCAAAAGGGAAAGTGAAAGTCACAACTTGGCAGCAGCTCCTGATCAAACATG-3'

ClinVar aggregate classification (germline): Likely benign. Review status: criteria provided, multiple submitters, no conflicts (2 of 4 stars). 3 submissions from 3 submitters: Likely benign (3). Last evaluated 2023-03-01.

Allele frequency attached by ClinVar (database versions not stated): ExAC 0.00209; ESP Exome Variant Server 0.00077; gnomAD 0.00085 and 0.00112; 1000 Genomes Project 30x 0.00141; TOPMed 0.00093; 1000 Genomes Project 0.00180.
gnomAD v4.1: 2,124 of 1,614,144 alleles (0.13%); highest among the groups gnomAD compares: South Asian, 0.79%; 20 homozygotes.

Submissions (3):

CeGaT Center for Human Genetics Tuebingen
Classification: Likely benign. Last evaluated: 2023-03-01. Review status: criteria provided, single submitter. Criteria: CeGaT Center For Human Genetics Tuebingen Variant Classification Criteria Version 2. Collection method: clinical testing. Allele origin: germline. Affected: yes. Observed: 1 variant allele.
Comment: APOL3: BP4, BS2

Labcorp Genetics (formerly Invitae), Labcorp
Classification: Likely benign. Last evaluated: 2018-04-09. Review status: criteria provided, single submitter. Criteria: Invitae Variant Classification Sherloc (09022015). Collection method: clinical testing. Allele origin: germline.

Breakthrough Genomics
Classification: Likely benign. Review status: criteria provided, single submitter. Criteria: ACMG Guidelines, 2015. Collection method: not provided. Allele origin: germline. Inheritance: Unknown mechanism. Affected: yes.